The following is an entry in ClinVar:

ClinVar aggregate classification (germline): Uncertain significance (1 of 4 stars; one submission).

Allele frequency attached by ClinVar (database versions not stated): gnomAD exomes below 0.00001; ExAC 0.00001.
gnomAD v4.1: 1 of 1,614,146 alleles (0.000062%); highest among the groups gnomAD compares: East Asian, 0.0022%; no homozygotes.

Submission:

Labcorp Genetics (formerly Invitae), Labcorp
Classification: Uncertain significance. Last evaluated: 2024-02-23. Review status: criteria provided, single submitter. Criteria: Invitae Variant Classification Sherloc (09022015). Collection method: clinical testing. Allele origin: germline.
Comment: This sequence change replaces threonine, which is neutral and polar, with alanine, which is neutral and non-polar, at codon 171 of the INTU protein (p.Thr171Ala). This variant is present in population databases (rs777628487, gnomAD 0.006%). This variant has not been reported in the literature in individuals affected with INTU-related conditions. Advanced modeling of protein sequence and biophysical properties (such as structural, functional, and spatial information, amino acid conservation, physicochemical variation, residue mobility, and thermodynamic stability) performed at Invitae indicates that this missense variant is not expected to disrupt INTU protein function with a negative predictive value of 80%. In summary, the available evidence is currently insufficient to determine the role of this variant in disease. Therefore, it has been classified as a Variant of Uncertain Significance.

NM_015693.4(INTU):c.511A>G (p.Thr171Ala)

Gene: INTU (inturned planar cell polarity protein; plus strand). Cytogenetic location: 4q28.1.
Variant type: single nucleotide variant.
Coding change: c.511A>G on transcript NM_015693.4 (MANE Select); coding-DNA position 511, A replaced by G.
Protein change: p.Thr171Ala; replaces threonine 171 with alanine.
Molecular consequence: missense variant.
Genome position (GRCh38, 1-based): chr4:127,643,885, A>G. VCF-style: chr4-127643885-A-G. GRCh37 (hg19) VCF-style: chr4-128565040-A-G.
Other names: short protein forms T171A.
Identifiers: ClinVar variation 2803880 (VCV002803880.3), dbSNP rs777628487, ClinGen allele CA3074807.